The following is an entry in ClinVar:

ClinVar aggregate classification (germline): Uncertain significance (1 of 4 stars; one submission).

Conditions:
Inborn genetic diseases. Identifiers: MedGen C0950123, MeSH D030342.

Submission:

Ambry Genetics
Classification: Uncertain significance for Inborn genetic diseases. Last evaluated: 2026-08-02. Review status: criteria provided, single submitter. Criteria: Ambry Variant Classification Scheme 2023. Collection method: clinical testing. Allele origin: germline.
Comment: The p.S137Y variant (also known as c.410C>A), located in coding exon 4 of the FANCG gene, results from a C to A substitution at nucleotide position 410. The serine at codon 137 is replaced by tyrosine, an amino acid with dissimilar properties. This amino acid position is conserved. In addition, this alteration is predicted to be tolerated by in silico analysis. Based on the available evidence, the clinical significance of this variant remains unclear.

NM_004629.2(FANCG):c.410C>A (p.Ser137Tyr)

Gene: FANCG (FA complementation group G; minus strand). Cytogenetic location: 9p13.3.
Variant type: single nucleotide variant.
Coding change: c.410C>A on transcript NM_004629.2 (MANE Select); coding-DNA position 410, C replaced by A.
Protein change: p.Ser137Tyr; replaces serine 137 with tyrosine.
Molecular consequence: missense variant.
Genome position (GRCh38, 1-based): chr9:35,078,241, G>T on the plus strand (C>A on the coding strand, the complement: FANCG is on the minus strand). VCF-style: chr9-35078241-G-T. GRCh37 (hg19) VCF-style: chr9-35078238-G-T.
Other names: short protein forms S137Y.
Identifiers: ClinVar variation 5036521 (VCV005036521.1).